The following is an entry in ClinVar:

ClinVar aggregate classification (germline): Uncertain significance (1 of 4 stars; one submission).

Conditions:
Aortic valve disease 2 (AOVD2). Identifiers: MedGen C3542024, MONDO:0013902, OMIM 614823.

gnomAD v4.1: 2 of 1,600,078 alleles (0.00012%); highest among the groups gnomAD compares: South Asian, 0.0022%; no homozygotes.

Submission:

Labcorp Genetics (formerly Invitae), Labcorp
Classification: Uncertain significance for Aortic valve disease 2. Last evaluated: 2024-06-22. Review status: criteria provided, single submitter. Criteria: Invitae Variant Classification Sherloc (09022015). Collection method: clinical testing. Allele origin: germline.
Comment: This sequence change replaces phenylalanine, which is neutral and non-polar, with leucine, which is neutral and non-polar, at codon 441 of the SMAD6 protein (p.Phe441Leu). This variant is not present in population databases (gnomAD no frequency). This variant has not been reported in the literature in individuals affected with SMAD6-related conditions. Advanced modeling of protein sequence and biophysical properties (such as structural, functional, and spatial information, amino acid conservation, physicochemical variation, residue mobility, and thermodynamic stability) performed at Invitae indicates that this missense variant is not expected to disrupt SMAD6 protein function with a negative predictive value of 80%. In summary, the available evidence is currently insufficient to determine the role of this variant in disease. Therefore, it has been classified as a Variant of Uncertain Significance.

NM_005585.5(SMAD6):c.1323C>A (p.Phe441Leu)

Gene: SMAD6 (SMAD family member 6; plus strand). Cytogenetic location: 15q22.31.
Variant type: single nucleotide variant.
Coding change: c.1323C>A on transcript NM_005585.5 (MANE Select); coding-DNA position 1323, C replaced by A.
Protein change: p.Phe441Leu; replaces phenylalanine 441 with leucine.
Molecular consequence: missense variant. On other transcripts: non-coding transcript variant (1).
Genome position (GRCh38, 1-based): chr15:66,781,367, C>A. VCF-style: chr15-66781367-C-A. GRCh37 (hg19) VCF-style: chr15-67073705-C-A.
Other names: short protein forms F441L.
Identifiers: ClinVar variation 3700253 (VCV003700253.2).